The following is an entry in ClinVar:

NM_002075.4(GNB3):c.800del (p.Glu267fs)

Genes: CDCA3 (cell division cycle associated 3; minus strand), GNB3 (G protein subunit beta 3; plus strand). Cytogenetic location: 12p13.31.
Variant type: Deletion.
Coding change: c.800del on transcript NM_002075.4 (MANE Select); coding-DNA position 800, one base deleted (A; older notation c.800delA).
Protein change: p.Glu267fs; shifts the reading frame from glutamic acid 267.
Molecular consequence: frameshift variant. On other transcripts: 3 prime UTR variant (1).
Genome position (GRCh38, 1-based): chr12:6,845,686, A deleted. VCF-style (leftmost placement, unchanged base first): chr12-6845685-GA-G. GRCh37 (hg19) VCF-style: chr12-6954849-GA-G.
Other names: c.797del, p.Glu266fs (NM_001297571.2); c.*1102del (NM_001297603.3); short protein forms E266fs, E267fs.
Identifiers: ClinVar variation 3649012 (VCV003649012.2).

ClinVar aggregate classification (germline): Uncertain significance (1 of 4 stars; one submission).

Submission:

Labcorp Genetics (formerly Invitae), Labcorp
Classification: Uncertain significance. Last evaluated: 2024-04-06. Review status: criteria provided, single submitter. Criteria: Invitae Variant Classification Sherloc (09022015). Collection method: clinical testing. Allele origin: germline.
Comment: This sequence change creates a premature translational stop signal (p.Glu267Glyfs*34) in the GNB3 gene. While this is not anticipated to result in nonsense mediated decay, it is expected to disrupt the last 74 amino acid(s) of the GNB3 protein. This variant is not present in population databases (gnomAD no frequency). This variant has not been reported in the literature in individuals affected with GNB3-related conditions. In summary, the available evidence is currently insufficient to determine the role of this variant in disease. Therefore, it has been classified as a Variant of Uncertain Significance.